The following is an entry in ClinVar:

ClinVar aggregate classification (germline): Uncertain significance (1 of 4 stars; one submission).

Conditions:
Cardiovascular phenotype. Identifiers: MedGen CN230736.
Hereditary cancer-predisposing syndrome. Also called: Tumor predisposition; Neoplastic Syndromes, Hereditary; Hereditary Cancer Syndrome; Hereditary neoplastic syndrome. Identifiers: Orphanet 140162, MedGen C0027672, MeSH D009386, MONDO:0015356.

Submission:

Ambry Genetics
Classification: Uncertain significance for Cardiovascular phenotype; Hereditary cancer-predisposing syndrome. Last evaluated: 2024-12-26. Review status: criteria provided, single submitter. Criteria: Ambry Variant Classification Scheme 2023. Collection method: clinical testing. Allele origin: germline.
Comment: The p.G922C variant (also known as c.2764G>T), located in coding exon 21 of the NF1 gene, results from a G to T substitution at nucleotide position 2764. The glycine at codon 922 is replaced by cysteine, an amino acid with highly dissimilar properties. This amino acid position is conserved. In addition, this alteration is predicted to be deleterious by in silico analysis. Based on the available evidence, the clinical significance of this variant remains unclear.

NM_001042492.3(NF1):c.2764G>T (p.Gly922Cys)

Gene: NF1 (neurofibromin 1; plus strand). Cytogenetic location: 17q11.2.
Variant type: single nucleotide variant.
Coding change: c.2764G>T on transcript NM_001042492.3 (MANE Select); coding-DNA position 2764, G replaced by T.
Protein change: p.Gly922Cys; replaces glycine 922 with cysteine.
Molecular consequence: missense variant.
Genome position (GRCh38, 1-based): chr17:31,229,379, G>T. VCF-style: chr17-31229379-G-T. GRCh37 (hg19) VCF-style: chr17-29556397-G-T.
Other names: c.2764G>T, p.Gly922Cys (NM_000267.4); short protein forms G922C.
Identifiers: ClinVar variation 3879023 (VCV003879023.1).
Genomic context (GRCh38, chr17:31,229,379, plus strand): 5'-ATGGTGTGTAACCATGAGAAAGTGGGACTTCAAATACGGACCAATGTTAAGGATCTGGTG[G>T]GTCTAGAATTGAGTCCTGCTCTGTATCCAATGCTATTTAACAAATTGAAGAATACCATCA-3'
Protein context (NP_001035957.1, residues 912-932): QIRTNVKDLV[Gly922Cys]LELSPALYPM